The following is an entry in ClinVar:

ClinVar aggregate classification (germline): Benign. Review status: criteria provided, multiple submitters, no conflicts (2 of 4 stars). 5 submissions from 5 submitters: Benign (5). Last evaluated 2026-01-22.

Conditions:
Primary ciliary dyskinesia. Also called: Ciliary dyskinesia. Identifiers: Orphanet 244, MedGen C0008780, MONDO:0016575, HP:0012265.
Primary ciliary dyskinesia 14. Also called: CILIARY DYSKINESIA, PRIMARY, 14, WITH OR WITHOUT SITUS INVERSUS. Identifiers: Orphanet 244, MedGen C3151136, MONDO:0013434, OMIM 613807.

Allele frequency attached by ClinVar (database versions not stated): gnomAD exomes 0.00069 and 0.00145; TOPMed 0.00600; gnomAD 0.00616 and 0.00577; 1000 Genomes Project 30x 0.00718; ExAC 0.00178; ESP Exome Variant Server 0.00596; 1000 Genomes Project 0.00679.
gnomAD v4.1: 1,963 of 1,612,398 alleles (0.12%); highest among the groups gnomAD compares: African/African-American, 2%; 18 homozygotes.

Submissions (5):

Labcorp Genetics (formerly Invitae), Labcorp
Classification: Benign for Primary ciliary dyskinesia. Last evaluated: 2026-01-22. Review status: criteria provided, single submitter. Criteria: Invitae Variant Classification Sherloc (09022015). Collection method: clinical testing. Allele origin: germline.

Genomic Medicine Center of Excellence, King Faisal Specialist Hospital and Research Centre
Classification: Benign for Primary ciliary dyskinesia 14. Last evaluated: 2024-12-19. Review status: criteria provided, single submitter. Criteria: ACMG Guidelines, 2015. Collection method: clinical testing. Allele origin: germline.

Illumina Laboratory Services, Illumina
Classification: Benign for Primary ciliary dyskinesia 14. Last evaluated: 2018-03-26. Review status: criteria provided, single submitter. Criteria: ICSL Variant Classification Criteria 13 December 2019. Collection method: clinical testing. Allele origin: germline.
Comment: This variant was observed in the ICSL laboratory as part of a predisposition screen in an ostensibly healthy population. It had not been previously curated by ICSL or reported in the Human Gene Mutation Database (HGMD: prior to June 1st, 2018), and was therefore a candidate for classification through an automated scoring system. Utilizing variant allele frequency, disease prevalence and penetrance estimates, and inheritance mode, an automated score was calculated to assess if this variant is too frequent to cause the disease. Based on the score and internal cut-off values, a variant classified as benign is not then subjected to further curation. The score for this variant resulted in a classification of benign for this disease.

Breakthrough Genomics
Classification: Benign. Review status: criteria provided, single submitter. Criteria: ACMG Guidelines, 2015. Collection method: not provided. Allele origin: germline. Inheritance: Autosomal recessive inheritance. Affected: yes.

PreventionGenetics, part of Exact Sciences
Classification: Benign. Review status: criteria provided, single submitter. Criteria: ACMG Guidelines, 2015. Collection method: clinical testing. Allele origin: germline.

NM_181426.2(CCDC39):c.2669+6C>T

Genes: CCDC39 (coiled-coil domain 39 molecular ruler complex subunit; minus strand), TTC14 (tetratricopeptide repeat domain 14; plus strand). Cytogenetic location: 3q26.33.
Variant type: single nucleotide variant.
Coding change: c.2669+6C>T on transcript NM_181426.2 (MANE Select); 6 bases into the intron after coding-DNA position 2669, C replaced by T.
Molecular consequence: intron variant.
Genome position (GRCh38, 1-based): chr3:180,616,275, G>A on the plus strand (C>T on the coding strand, the complement: CCDC39 is on the minus strand). VCF-style: chr3-180616275-G-A. GRCh37 (hg19) VCF-style: chr3-180334063-G-A.
Other names: c.1775-1105G>A (NM_001288582.2).
Identifiers: ClinVar variation 242174 (VCV000242174.19), dbSNP rs57859179, ClinGen allele CA2715610.